The following is an entry in ClinVar:

ClinVar aggregate classification (germline): Conflicting classifications of pathogenicity. Review status: criteria provided, conflicting classifications (1 of 4 stars). 3 submissions from 3 submitters: Uncertain significance (2); Likely benign (1). Last evaluated 2025-01-06.

Conditions:
Wilms tumor 1 (WT1). Also called: Wilms tumor, somatic. Identifiers: Orphanet 654, MedGen CN033288, MONDO:0008679, OMIM 194070.
Simpson-Golabi-Behmel syndrome type 1 (SGBS1). Also called: GPC3-Related Simpson-Golabi-Behmel Syndrome Type 1; SIMPSON DYSMORPHIA SYNDROME; BULLDOG SYNDROME; DYSPLASIA GIGANTISM SYNDROME, X-LINKED; GOLABI-ROSEN SYNDROME. Identifiers: Orphanet 373, MedGen C0796154, MONDO:0020602, OMIM 312870.

Allele frequency attached by ClinVar (database versions not stated): ExAC below 0.00001.

Submissions (3):

Labcorp Genetics (formerly Invitae), Labcorp
Classification: Uncertain significance for Wilms tumor 1. Last evaluated: 2025-01-06. Review status: criteria provided, single submitter. Criteria: Invitae Variant Classification Sherloc (09022015). Collection method: clinical testing. Allele origin: germline.
Comment: This sequence change replaces threonine, which is neutral and polar, with proline, which is neutral and non-polar, at codon 7 of the GPC3 protein (p.Thr7Pro). This variant is not present in population databases (gnomAD no frequency). This variant has not been reported in the literature in individuals affected with GPC3-related conditions. ClinVar contains an entry for this variant (Variation ID: 1014539). An algorithm developed to predict the effect of missense changes on protein structure and function (PolyPhen-2) suggests that this variant is likely to be disruptive. In summary, the available evidence is currently insufficient to determine the role of this variant in disease. Therefore, it has been classified as a Variant of Uncertain Significance.

3billion
Classification: Likely benign for Simpson-Golabi-Behmel syndrome type 1. Last evaluated: 2024-09-20. Review status: criteria provided, single submitter. Criteria: ACMG Guidelines, 2015. Collection method: clinical testing. Allele origin: germline. Affected: no.
Comment: The hemizygous variant was found in patients diagnosed with another variant in a different gene, with no symptoms related to the gene containing the hemizygous variant.

GeneDx
Classification: Uncertain significance. Last evaluated: 2024-07-09. Review status: criteria provided, single submitter. Criteria: GeneDx Variant Classification Process June 2021. Collection method: clinical testing. Allele origin: germline. Affected: yes.
Comment: Not observed at significant frequency in large population cohorts (gnomAD); In silico analysis indicates that this missense variant does not alter protein structure/function; Has not been previously published as pathogenic or benign to our knowledge

NM_004484.4(GPC3):c.19A>C (p.Thr7Pro)

Gene: GPC3 (glypican 3; minus strand). Cytogenetic location: Xq26.2.
Variant type: single nucleotide variant.
Coding change: c.19A>C on transcript NM_004484.4 (MANE Select); coding-DNA position 19, A replaced by C.
Protein change: p.Thr7Pro; replaces threonine 7 with proline.
Molecular consequence: missense variant.
Genome position (GRCh38, 1-based): chrX:133,985,431, T>G on the plus strand (A>C on the coding strand, the complement: GPC3 is on the minus strand). VCF-style: chrX-133985431-T-G. GRCh37 (hg19) VCF-style: chrX-133119458-T-G.
Other names: c.19A>C, p.Thr7Pro (NM_001164617.2, NM_001164618.2, NM_001164619.2); c.19A>C (NM_004484.3); short protein forms T7P.
Identifiers: ClinVar variation 1014539 (VCV001014539.11), dbSNP rs773144223, ClinGen allele CA10520896.
Genomic context (GRCh38, chrX:133,985,431, plus strand): 5'-GGGGCTGCGCCTGTCCCGGGAAGTCCAAGCTGAGCAGCATCGCCACCACCAAGCACGCGG[T>G]GCGCACGGTCCCGGCCATCCTGCTTCGCAGGGAGCTAGGAGAGCGCGGGAGAGTGGCAGC-3'
Protein context (NP_004475.1, residues 1-17): MAGTVR[Thr7Pro]ACLVVAMLLS